The following is an entry in ClinVar:

ClinVar aggregate classification (germline): Pathogenic. Review status: criteria provided, multiple submitters, no conflicts (2 of 4 stars). 2 submissions from 2 submitters: Pathogenic (2). Last evaluated 2026-02-06.

Submissions (2):

GeneDx
Classification: Pathogenic. Last evaluated: 2026-02-06. Review status: criteria provided, single submitter. Criteria: GeneDx Variant Classification Process June 2021. Collection method: clinical testing. Allele origin: germline.
Comment: Frameshift variant predicted to result in protein truncation or nonsense mediated decay in a gene for which loss of function is a known mechanism of disease; Not observed at significant frequency in large population cohorts (gnomAD); Has not been previously published as pathogenic or benign to our knowledge

CeGaT Center for Human Genetics Tuebingen
Classification: Pathogenic. Last evaluated: 2021-10-01. Review status: criteria provided, single submitter. Criteria: CeGaT Center For Human Genetics Tuebingen Variant Classification Criteria Version 2. Collection method: clinical testing. Allele origin: germline. Affected: yes. Observed: 2 variant alleles.

NM_004782.4(SNAP29):c.365_368del (p.Tyr122fs)

Gene: SNAP29 (synaptosome associated protein 29; plus strand). Cytogenetic location: 22q11.21.
Variant type: Deletion.
Coding change: c.365_368del on transcript NM_004782.4 (MANE Select); coding-DNA positions 365 to 368, 4 bases deleted (ACTT; older notation c.365_368delACTT).
Protein change: p.Tyr122fs; shifts the reading frame from tyrosine 122.
Molecular consequence: frameshift variant.
Genome position (GRCh38, 1-based): chr22:20,870,464-20,870,467, ACTT deleted; deleting any 4 consecutive bases within chr22:20,870,462-20,870,467 gives the same sequence; the c. name uses the placement nearest the transcript's 3' end. VCF-style (leftmost placement, unchanged base first): chr22-20870461-ATTAC-A. GRCh37 (hg19) VCF-style: chr22-21224749-ATTAC-A.
Other names: c.365_368del (NM_004782.3); short protein forms Y122fs.
Identifiers: ClinVar variation 872338 (VCV000872338.42), dbSNP rs1176301490, ClinGen allele CA638942021.